The following is an entry in ClinVar:

ClinVar aggregate classification (germline): Likely benign. Review status: criteria provided, multiple submitters, no conflicts (2 of 4 stars). 11 submissions from 11 submitters: Likely benign (8). 3 of the submissions do not count toward it. Last evaluated 2026-01-05.

Conditions:
Brugada syndrome 8 (BRGDA8). Identifiers: Orphanet 130, MedGen C2751083, MONDO:0013148, OMIM 613123.
HCN4-related disorder. Also called: HCN4-related condition.
Cardiovascular phenotype. Identifiers: MedGen CN230736.

Allele frequency attached by ClinVar (database versions not stated): gnomAD 0.00006 and 0.00007; TOPMed 0.00006; gnomAD exomes 0.00008 and 0.00012; ExAC 0.00009.
gnomAD v4.1: 139 of 1,614,130 alleles (0.0086%); highest among the groups gnomAD compares: Middle Eastern, 0.099%; no homozygotes.

Submissions (11):

Labcorp Genetics (formerly Invitae), Labcorp
Classification: Likely benign for Brugada syndrome 8. Last evaluated: 2026-01-05. Review status: criteria provided, single submitter. Criteria: Invitae Variant Classification Sherloc (09022015). Collection method: clinical testing. Allele origin: germline.

Mayo Clinic Laboratories, Mayo Clinic
Classification: Likely benign. Last evaluated: 2025-10-24. Review status: criteria provided, single submitter. Criteria: ACMG Guidelines, 2015. Collection method: clinical testing. Allele origin: germline. Observed: 1 variant allele.
Comment: BP4, BP7

Molecular Diagnostic Laboratory for Inherited Cardiovascular Disease, Montreal Heart Institute
Classification: Likely benign. Last evaluated: 2025-04-09. Review status: criteria provided, single submitter. Criteria: ACMG Guidelines, 2015. Collection method: clinical testing. Allele origin: germline. Affected: no.
Comment: BP6;BP7

Blueprint Genetics
Classification: Likely benign. Last evaluated: 2024-10-24. Review status: criteria provided, single submitter. Criteria: ACMG Guidelines, 2015. Collection method: clinical testing. Allele origin: germline.

CeGaT Center for Human Genetics Tuebingen
Classification: Likely benign. Last evaluated: 2023-08-01. Review status: criteria provided, single submitter. Criteria: CeGaT Center For Human Genetics Tuebingen Variant Classification Criteria Version 2. Collection method: clinical testing. Allele origin: germline. Affected: yes. Observed: 1 variant allele.
Comment: HCN4: BP4, BP7

GeneDx
Classification: Likely benign. Last evaluated: 2021-06-17. Review status: criteria provided, single submitter. Criteria: GeneDx Variant Classification Process June 2021. Collection method: clinical testing. Allele origin: germline. Affected: yes.

Ambry Genetics
Classification: Likely benign for Cardiovascular phenotype. Last evaluated: 2020-01-10. Review status: criteria provided, single submitter. Criteria: Ambry Variant Classification Scheme 2023. Collection method: clinical testing. Allele origin: germline.

Breakthrough Genomics
Classification: Likely benign. Review status: criteria provided, single submitter. Criteria: ACMG Guidelines, 2015. Collection method: not provided. Allele origin: germline. Inheritance: Autosomal dominant inheritance. Affected: yes.

PreventionGenetics, part of Exact Sciences
Classification: Likely benign for HCN4-related condition. Last evaluated: 2019-06-12. Review status: no assertion criteria provided. Collection method: clinical testing. Allele origin: germline. Not counted in ClinVar's aggregate classification.
Comment: This variant is classified as likely benign based on ACMG/AMP sequence variant interpretation guidelines (Richards et al. 2015 PMID: 25741868, with internal and published modifications).

Clinical Genetics, Academic Medical Center
Classification: Benign. Review status: no assertion criteria provided. Collection method: clinical testing. Allele origin: germline. Affected: yes. Study: VKGL Data-share Consensus. Not counted in ClinVar's aggregate classification.

Joint Genome Diagnostic Labs from Nijmegen and Maastricht, Radboudumc and MUMC+
Classification: Likely benign. Review status: no assertion criteria provided. Collection method: clinical testing. Allele origin: germline. Affected: yes. Study: VKGL Data-share Consensus. Not counted in ClinVar's aggregate classification.

NM_005477.3(HCN4):c.1303C>T (p.Leu435=)

Gene: HCN4 (hyperpolarization activated cyclic nucleotide gated potassium channel 4; minus strand). Cytogenetic location: 15q24.1.
Variant type: single nucleotide variant.
Coding change: c.1303C>T on transcript NM_005477.3 (MANE Select); coding-DNA position 1303, C replaced by T.
Protein change: p.Leu435=; no amino-acid change (leucine 435 retained).
Molecular consequence: synonymous variant.
Genome position (GRCh38, 1-based): chr15:73,332,199, G>A on the plus strand (C>T on the coding strand, the complement: HCN4 is on the minus strand). VCF-style: chr15-73332199-G-A. GRCh37 (hg19) VCF-style: chr15-73624540-G-A.
Other names: p.Leu435=.
Identifiers: ClinVar variation 384823 (VCV000384823.47), dbSNP rs746461789, ClinGen allele CA7649329.